The following is an entry in ClinVar:

ClinVar aggregate classification (germline): Likely benign (1 of 4 stars; one submission).

Conditions:
Familial cancer of breast. Also called: hereditary breast carcinoma; BREAST CANCER, FAMILIAL; Hereditary breast cancer. Identifiers: Orphanet 227535, MedGen C0346153, MONDO:0016419, OMIM 114480. Disease mechanism: loss of function.

Submission:

Myriad Genetics, Inc.
Classification: Likely benign for Familial cancer of breast. Last evaluated: 2024-06-21. Review status: criteria provided, single submitter. Criteria: Myriad Autosomal Dominant, Autosomal Recessive and X-Linked Classification Criteria (2023). Collection method: clinical testing. Allele origin: unknown.
Comment: This variant is considered likely benign. This variant is intronic and is not expected to impact mRNA splicing.

NM_000051.4(ATM):c.8787-8G>C

Genes: ATM (ATM serine/threonine kinase; plus strand), C11orf65 (chromosome 11 open reading frame 65; minus strand). Cytogenetic location: 11q22.3.
Variant type: single nucleotide variant.
Coding change: c.8787-8G>C on transcript NM_000051.4 (MANE Select); 8 bases into the intron before coding-DNA position 8787, G replaced by C.
Molecular consequence: intron variant.
Genome position (GRCh38, 1-based): chr11:108,354,803, G>C. VCF-style: chr11-108354803-G-C. GRCh37 (hg19) VCF-style: chr11-108225530-G-C.
Other names: c.8787-8G>C (NM_001351834.2); c.640+31117C>G (NM_001330368.2); c.695-19511C>G (NM_001351110.2).
Identifiers: ClinVar variation 3254302 (VCV003254302.1), dbSNP rs2137344927.